The following is an entry in ClinVar:

ClinVar aggregate classification (germline): Uncertain significance (1 of 4 stars; one submission).

Allele frequency attached by ClinVar (database versions not stated): gnomAD exomes 0.00001; gnomAD 0.00002; TOPMed 0.00006; ESP Exome Variant Server 0.00009.

Submission:

Labcorp Genetics (formerly Invitae), Labcorp
Classification: Uncertain significance. Last evaluated: 2025-10-24. Review status: criteria provided, single submitter. Criteria: Invitae Variant Classification Sherloc (09022015). Collection method: clinical testing. Allele origin: germline.
Comment: This sequence change replaces arginine, which is basic and polar, with cysteine, which is neutral and slightly polar, at codon 218 of the DRP2 protein (p.Arg218Cys). This variant is present in population databases (rs369730985, gnomAD 0.001%). This missense change has been observed in individual(s) with clinical features of Charcot-Marie-Tooth disease (internal data). ClinVar contains an entry for this variant (Variation ID: 1442731). Invitae Evidence Modeling of protein sequence and biophysical properties (such as structural, functional, and spatial information, amino acid conservation, physicochemical variation, residue mobility, and thermodynamic stability) indicates that this missense variant is not expected to disrupt DRP2 protein function with a negative predictive value of 80%. In summary, the available evidence is currently insufficient to determine the role of this variant in disease. Therefore, it has been classified as a Variant of Uncertain Significance.

NM_001939.3(DRP2):c.652C>T (p.Arg218Cys)

Gene: DRP2 (dystrophin related protein 2; plus strand). Cytogenetic location: Xq22.1.
Variant type: single nucleotide variant.
Coding change: c.652C>T on transcript NM_001939.3 (MANE Select); coding-DNA position 652, C replaced by T.
Protein change: p.Arg218Cys; replaces arginine 218 with cysteine.
Molecular consequence: missense variant.
Genome position (GRCh38, 1-based): chrX:101,241,760, C>T. VCF-style: chrX-101241760-C-T. GRCh37 (hg19) VCF-style: chrX-100496749-C-T.
Other names: c.418C>T, p.Arg140Cys (NM_001171184.2); short protein forms R218C, R140C.
Identifiers: ClinVar variation 1442731 (VCV001442731.6), dbSNP rs369730985, ClinGen allele CA333089787.